The following is an entry in ClinVar:

NM_004304.5(ALK):c.326C>T (p.Ser109Phe)

Gene: ALK (ALK receptor tyrosine kinase; minus strand). Cytogenetic location: 2p23.1.
Variant type: single nucleotide variant.
Coding change: c.326C>T on transcript NM_004304.5 (MANE Select); coding-DNA position 326, C replaced by T.
Protein change: p.Ser109Phe; replaces serine 109 with phenylalanine.
Molecular consequence: missense variant.
Genome position (GRCh38, 1-based): chr2:29,920,334, G>A on the plus strand (C>T on the coding strand, the complement: ALK is on the minus strand). VCF-style: chr2-29920334-G-A. GRCh37 (hg19) VCF-style: chr2-30143200-G-A.
Other names: c.326C>T (NM_004304.4); short protein forms S109F.
Identifiers: ClinVar variation 2742824 (VCV002742824.4), dbSNP rs941489195, ClinGen allele CA346590257.

ClinVar aggregate classification (germline): Uncertain significance. Review status: criteria provided, multiple submitters, no conflicts (2 of 4 stars). 2 submissions from 2 submitters: Uncertain significance (2). Last evaluated 2026-04-11.

Conditions:
Hereditary cancer-predisposing syndrome. Also called: Tumor predisposition; Hereditary neoplastic syndrome; Neoplastic Syndromes, Hereditary; Hereditary Cancer Syndrome. Identifiers: Orphanet 140162, MedGen C0027672, MeSH D009386, MONDO:0015356.
Neuroblastoma, susceptibility to, 3. Also called: ALK-Related Neuroblastic Tumor Susceptibility. Identifiers: Orphanet 635, MedGen C2751681, MONDO:0013083, OMIM 613014.

gnomAD v4.1: 1 of 1,552,026 alleles (0.000064%); highest among the groups gnomAD compares: Non-Finnish European, 0.000087%; no homozygotes.

Submissions (2):

Ambry Genetics
Classification: Uncertain significance for Hereditary cancer-predisposing syndrome. Last evaluated: 2026-04-11. Review status: criteria provided, single submitter. Criteria: Ambry Variant Classification Scheme 2023. Collection method: clinical testing. Allele origin: germline.
Comment: The p.S109F variant (also known as c.326C>T), located in coding exon 1 of the ALK gene, results from a C to T substitution at nucleotide position 326. The serine at codon 109 is replaced by phenylalanine, an amino acid with highly dissimilar properties. This amino acid position is conserved. In addition, this alteration is predicted to be tolerated by in silico analysis. Based on the available evidence, the clinical significance of this variant remains unclear.

Labcorp Genetics (formerly Invitae), Labcorp
Classification: Uncertain significance for Neuroblastoma, susceptibility to, 3. Last evaluated: 2024-05-15. Review status: criteria provided, single submitter. Criteria: Invitae Variant Classification Sherloc (09022015). Collection method: clinical testing. Allele origin: germline.
Comment: This sequence change replaces serine, which is neutral and polar, with phenylalanine, which is neutral and non-polar, at codon 109 of the ALK protein (p.Ser109Phe). This variant is not present in population databases (gnomAD no frequency). This variant has not been reported in the literature in individuals affected with ALK-related conditions. An algorithm developed to predict the effect of missense changes on protein structure and function (PolyPhen-2) suggests that this variant is likely to be tolerated. In summary, the available evidence is currently insufficient to determine the role of this variant in disease. Therefore, it has been classified as a Variant of Uncertain Significance.